The following is an entry in ClinVar:

NM_001458.5(FLNC):c.6403A>G (p.Lys2135Glu)

Genes: FLNC (filamin C; plus strand), FLNC-AS1 (FLNC antisense RNA 1; minus strand). Cytogenetic location: 7q32.1.
Variant type: single nucleotide variant.
Coding change: c.6403A>G on transcript NM_001458.5 (MANE Select); coding-DNA position 6403, A replaced by G.
Protein change: p.Lys2135Glu; replaces lysine 2135 with glutamic acid.
Molecular consequence: missense variant.
Genome position (GRCh38, 1-based): chr7:128,853,756, A>G. VCF-style: chr7-128853756-A-G. GRCh37 (hg19) VCF-style: chr7-128493810-A-G.
Other names: c.6304A>G, p.Lys2102Glu (NM_001127487.2); short protein forms K2135E, K2102E.
Identifiers: ClinVar variation 1753345 (VCV001753345.3), dbSNP rs2536662790, ClinGen allele CA369212470.
Genomic context (GRCh38, chr7:128,853,756, plus strand): 5'-CCCTTTGTCCCCACTTCAGGAAGCCCCTTCACTGTGAAGGTGACCGGCGAGGGCCGCATG[A>G]AGGAGAGCATCACCCGGCGGAGACAGGCACCTTCCATCGCCACCATCGGCAGCACCTGTG-3'
Protein context (NP_001449.3, residues 2125-2145): TVKVTGEGRM[Lys2135Glu]ESITRRRQAP

ClinVar aggregate classification (germline): Uncertain significance. Review status: criteria provided, multiple submitters, no conflicts (2 of 4 stars). 2 submissions from 2 submitters: Uncertain significance (2). Last evaluated 2021-12-14.

Conditions:
Cardiovascular phenotype. Identifiers: MedGen CN230736.

Submissions (2):

Blueprint Genetics
Classification: Uncertain significance. Last evaluated: 2021-12-14. Review status: criteria provided, single submitter. Criteria: ACMG Guidelines, 2015. Collection method: clinical testing. Allele origin: germline.

Ambry Genetics
Classification: Uncertain significance for Cardiovascular phenotype. Last evaluated: 2019-04-12. Review status: criteria provided, single submitter. Criteria: Ambry Variant Classification Scheme 2023. Collection method: clinical testing. Allele origin: germline.
Comment: The p.K2135E variant (also known as c.6403A>G), located in coding exon 39 of the FLNC gene, results from an A to G substitution at nucleotide position 6403. The lysine at codon 2135 is replaced by glutamic acid, an amino acid with similar properties. In one study, this variant was detected in an individual with hypertrophic cardiomyopathy, who also had variants in other cardiac related genes (Bagnall RD et al. J. Am. Coll. Cardiol., 2018 Jul;72:419-429). This amino acid position is highly conserved in available vertebrate species. In addition, this alteration is predicted to be deleterious by in silico analysis. Since supporting evidence is limited at this time, the clinical significance of this alteration remains unclear.

Literature cited by the submitters: PubMed 30025578 (cited by Ambry Genetics).